The following is an entry in ClinVar:

NM_003242.6(TGFBR2):c.-9G>T

Gene: TGFBR2 (transforming growth factor beta receptor 2; plus strand). Cytogenetic location: 3p24.1.
Variant type: single nucleotide variant.
Coding change: c.-9G>T on transcript NM_003242.6 (MANE Select); 9 bases upstream of the start codon, G replaced by T.
Molecular consequence: 5 prime UTR variant.
Genome position (GRCh38, 1-based): chr3:30,606,875, G>T. VCF-style: chr3-30606875-G-T. GRCh37 (hg19) VCF-style: chr3-30648367-G-T.
Other names: c.-9G>T (NM_001024847.3, NM_001407126.1, NM_001407127.1 and 4 more transcripts); c.-292G>T (NM_001407133.1); c.-170G>T (NM_001407134.1); c.-217G>T (NM_001407135.1); c.-302G>T (NM_001407136.1).
Identifiers: ClinVar variation 928401 (VCV000928401.6), dbSNP rs1406962229, ClinGen allele CA1139657940.
Genomic context (GRCh38, chr3:30,606,875, plus strand): 5'-GCCAGGGGTCCGGGAAGGCGCCGTCCGCTGCGCTGGGGGCTCGGTCTATGACGAGCAGCG[G>T]GGTCTGCCATGGGTCGGGGGCTGCTCAGGGGCCTGTGGCCGCTGCACATCGTCCTGTGGA-3'

ClinVar aggregate classification (germline): Uncertain significance/Uncertain risk allele. Review status: criteria provided, multiple submitters, no conflicts (2 of 4 stars). 2 submissions from 2 submitters: Uncertain significance (1); Uncertain risk allele (1). Last evaluated 2025-08-20.

Conditions:
Diabetic retinopathy. Identifiers: MedGen C0011884, MONDO:0005266.
Familial thoracic aortic aneurysm and aortic dissection (TAAD). Also called: Thoracic aortic aneurysms and dissections. Identifiers: Orphanet 91387, MedGen C4707243, MONDO:0019625.

Allele frequency attached by ClinVar (database versions not stated): TOPMed below 0.00001.

Submissions (2):

Color Diagnostics, LLC DBA Color Health
Classification: Uncertain significance for Familial thoracic aortic aneurysm and aortic dissection. Last evaluated: 2025-08-20. Review status: criteria provided, single submitter. Criteria: ACMG Guidelines, 2015. Collection method: clinical testing. Allele origin: germline.
Comment: This variant is located in the 5' untranslated region of the TGFBR2 gene. To our knowledge, functional studies have not been reported for this variant. This variant has not been reported in individuals affected with TGFBR2-related disorders in the literature. This variant has not been identified in the general population by the Genome Aggregation Database (gnomAD). The available evidence is insufficient to determine the role of this variant in disease conclusively. Therefore, this variant is classified as a Variant of Uncertain Significance.

Clinical Genomics, Uppaluri K&H Personalized Medicine Clinic
Classification: Uncertain risk allele for Diabetic retinopathy. Review status: criteria provided, single submitter. Criteria: K And H Uppaluri Personalized Medicine Clinic Variant Classification And Assertion Criteria Updated V 2. Collection method: research. Allele origin: unknown.
Comment: Potent mutations in TGFBR2 gene encodes the transforming growth factor that have been associated with angiogenesis and diabetic retinopathy. More clinical studies are needed for stronger association. However, more evidence is required to confer the association of this particular variant rs1406962229 with diabetic retinopathy.

Literature cited by the submitters: PubMed 30222965 (cited by Clinical Genomics, Uppaluri K&H Personalized Medicine Clinic); PubMed 28162229 (cited by Clinical Genomics, Uppaluri K&H Personalized Medicine Clinic); PubMed 34572573 (cited by Clinical Genomics, Uppaluri K&H Personalized Medicine Clinic).